The following is an entry in ClinVar:

NM_005902.4(SMAD3):c.727C>T (p.Arg243Cys)

Gene: SMAD3 (SMAD family member 3; plus strand). Cytogenetic location: 15q22.33.
Variant type: single nucleotide variant.
Coding change: c.727C>T on transcript NM_005902.4 (MANE Select); coding-DNA position 727, C replaced by T.
Protein change: p.Arg243Cys; replaces arginine 243 with cysteine.
Molecular consequence: missense variant.
Genome position (GRCh38, 1-based): chr15:67,181,309, C>T. VCF-style: chr15-67181309-C-T. GRCh37 (hg19) VCF-style: chr15-67473647-C-T.
Other names: c.412C>T, p.Arg138Cys (NM_001145102.2); c.595C>T, p.Arg199Cys (NM_001145103.2); c.142C>T, p.Arg48Cys (NM_001145104.2); short protein forms R243C, R199C, R138C, R48C.
Identifiers: ClinVar variation 264379 (VCV000264379.31), dbSNP rs886039137, ClinGen allele CA10587874.

ClinVar aggregate classification (germline): Conflicting classifications of pathogenicity. Review status: criteria provided, conflicting classifications (1 of 4 stars). 6 submissions from 6 submitters: Pathogenic (2); Likely pathogenic (1); Uncertain significance (3). Last evaluated 2025-12-17.

Conditions:
Ehlers-Danlos syndrome (EDS). Identifiers: Orphanet 98249, MedGen C0013720, MONDO:0020066.
Aneurysm-osteoarthritis syndrome. Also called: LOEYS-DIETZ SYNDROME WITH OSTEOARTHRITIS; SMAD3-Related Loeys-Dietz Syndrome; ANEURYSMS-OSTEOARTHRITIS SYNDROME; Loeys-Dietz syndrome, type 1C. Identifiers: Orphanet 284984, MedGen C3151087, MONDO:0013426, OMIM 613795.
Familial thoracic aortic aneurysm and aortic dissection (TAAD). Also called: Thoracic aortic aneurysms and dissections. Identifiers: Orphanet 91387, MedGen C4707243, MONDO:0019625.

Submissions (6):

Labcorp Genetics (formerly Invitae), Labcorp
Classification: Pathogenic for Familial thoracic aortic aneurysm and aortic dissection. Last evaluated: 2025-12-17. Review status: criteria provided, single submitter. Criteria: Invitae Variant Classification Sherloc (09022015). Collection method: clinical testing. Allele origin: germline.
Comment: This sequence change replaces arginine, which is basic and polar, with cysteine, which is neutral and slightly polar, at codon 243 of the SMAD3 protein (p.Arg243Cys). This variant is not present in population databases (gnomAD no frequency). This missense change has been observed in individuals with clinical features of thoracic aortic aneurysm and dissection (internal data). ClinVar contains an entry for this variant (Variation ID: 264379). Invitae Evidence Modeling incorporating data from in vitro experimental studies (internal data) indicates that this missense variant is not expected to disrupt SMAD3 function with a negative predictive value of 95%. For these reasons, this variant has been classified as Pathogenic.

Ambry Genetics
Classification: Pathogenic for Familial thoracic aortic aneurysm and aortic dissection. Last evaluated: 2025-08-04. Review status: criteria provided, single submitter. Criteria: Ambry Variant Classification Scheme 2023. Collection method: clinical testing. Allele origin: germline.
Comment: The p.R243C pathogenic mutation (also known as c.727C>T), located in coding exon 6 of the SMAD3 gene, results from a C to T substitution at nucleotide position 727. The arginine at codon 243 is replaced by cysteine, an amino acid with highly dissimilar properties. This alteration has been reported in multiple individuals with aortic aneurysms or dissection and co-segregated with disease in one family tested in our laboratory (Ambry internal data; external communication). This missense alteration is located in a region that has a low rate of benign missense variation (Lek M et al. Nature. 2016 Aug 18;536(7616):285-91; DECIPHER: Database of Chromosomal Imbalance and Phenotype in Humans using Ensembl Resources. Firth H.V. et al. 2009. Am.J.Hum.Genet. 84, 524-533 (DOI)). This amino acid position is highly conserved in available vertebrate species. In addition, this alteration is predicted to be deleterious by in silico analysis. This variant is considered to be rare based on population cohorts in the Genome Aggregation Database (gnomAD). Based on the supporting evidence, this variant is interpreted as a disease-causing mutation.

Clinical Genomics Laboratory, Washington University in St. Louis
Classification: Likely pathogenic for Familial thoracic aortic aneurysm and aortic dissection. Last evaluated: 2023-09-22. Review status: criteria provided, single submitter. Criteria: ACMG Guidelines, 2015. Collection method: clinical testing. Allele origin: germline. Affected: yes.
Comment: The SMAD3 c.727C>T (p.Arg243Cys) variant, to our knowledge, has not been reported in the medical literature in an affected individual, but has been reported in the ClinVar database as a germline pathogenic or likely pathogenic variant by two submitters and a variant of uncertain significance by three submitters. This variant is absent from the general population (gnomAD v.2.1.1), indicating it is not a common variant. The arginine at codon 243 is directly involved in protein-protein interactions (Schiro MM et al., PMID: 21949838) and computational predictors indicate that the variant is damaging, evidence that correlates with impact to SMAD3 function. In support of this prediction, another variant in the same codon, p.Arg243Ala, alters interaction of SMAD3 to other binding proteins (Schiro MM et al., PMID: 21949838). Additionally, another variant in the same codon, c.728G>C (p.Arg243Pro), has been reported in one affected individual and is considered likely pathogenic (Schepers D et al., PMID: 29392890). Based on available information and the ACMG/AMP guidelines for variant interpretation (Richards S et al., PMID: 25741868), this variant is classified as likely pathogenic.

Women's Health and Genetics/Laboratory Corporation of America, LabCorp
Classification: Uncertain significance. Last evaluated: 2020-08-03. Review status: criteria provided, single submitter. Criteria: LabCorp Variant Classification Summary - May 2015. Collection method: clinical testing. Allele origin: germline.
Comment: Variant summary: SMAD3 c.727C>T (p.Arg243Cys) results in a non-conservative amino acid change located in the SMAD domain, Dwarfin-type (IPR001132) of the encoded protein sequence. Five of five in-silico tools predict a damaging effect of the variant on protein function. The variant was absent in 251082 control chromosomes (gnomAD). The available data on variant occurrences in the general population are insufficient to allow any conclusion about variant significance. To our knowledge, no occurrence of c.727C>T in individuals affected with Loeys-Dietz Syndrome and no experimental evidence demonstrating its impact on protein function have been reported in the literature. Three ClinVar submitters (evaluation after 2014) cite the variant as uncertain significance. One of the ClinVar submitters reports internal data of the variant observed in individuals affected with aortic or arterial aneurysms (SCV000961886.2). Based on the evidence outlined above, the variant was classified as uncertain significance.

ARUP Laboratories, Molecular Genetics and Genomics, ARUP Laboratories
Classification: Uncertain significance for Aneurysm-osteoarthritis syndrome. Last evaluated: 2019-02-08. Review status: criteria provided, single submitter. Criteria: ARUP Molecular Germline Variant Investigation Process. Collection method: clinical testing. Allele origin: germline.
Comment: The SMAD3 c.727C>T; p.Arg243Cys variant (rs886039137), to our knowledge, is not reported in the medical literature but is reported in ClinVar (Variation ID: 264379). This variant is absent from general population databases (Exome Variant Server, Genome Aggregation Database), indicating it is not a common polymorphism. The arginine at codon 243 is highly conserved and computational analyses (SIFT, PolyPhen-2) predict that this variant is deleterious. Additionally, another variant at this codon (p.Arg243Pro) has been reported in individuals with Loeys-Dietz syndrome and is considered likely pathogenic (Schepers 2018). However, given the lack of clinical and functional data, the significance of the p.Arg243Cys variant is uncertain at this time. References: Schepers D et al. A mutation update on the LDS-associated genes TGFB2/3 and SMAD2/3. Hum Mutat. 2018 May;39(5):621-634.

Genome Diagnostics Laboratory, The Hospital for Sick Children
Classification: Uncertain significance for Ehlers-Danlos syndrome. Last evaluated: 2018-07-01. Review status: criteria provided, single submitter. Criteria: ACMG Guidelines, 2015. Collection method: clinical testing. Allele origin: germline.

Literature cited by the submitters: PubMed 29392890 (cited by Ambry Genetics).